The following is an entry in ClinVar:

ClinVar aggregate classification (germline): Uncertain significance (1 of 4 stars; one submission).

Conditions:
Autosomal recessive spinocerebellar ataxia 12. Also called: SPINOCEREBELLAR ATAXIA WITH MENTAL RETARDATION AND EPILEPSY. Identifiers: Orphanet 284282, MedGen C3280452, MONDO:0013687, OMIM 614322.
Developmental and epileptic encephalopathy, 1 (DEE1). Also called: Epileptic encephalopathy, early infantile, 1; X-linked infantile spasms; West's syndrome; Tonic spasms with clustering, arrest of psychomotor development and hypsarrhythmia on EEG; X-Linked Infantile Spasm Syndrome; OHTAHARA SYNDROME, X-LINKED. Identifiers: MedGen C3463992, MONDO:0010632, OMIM 308350. Disease mechanism: loss of function.

Allele frequency attached by ClinVar (database versions not stated): ESP Exome Variant Server 0.00008; TOPMed 0.00008.
gnomAD v4.1: 12 of 1,614,032 alleles (0.00074%); highest among the groups gnomAD compares: African/African-American, 0.015%; no homozygotes.

Submission:

Labcorp Genetics (formerly Invitae), Labcorp
Classification: Uncertain significance for Developmental and epileptic encephalopathy, 1; Autosomal recessive spinocerebellar ataxia 12. Last evaluated: 2025-01-06. Review status: criteria provided, single submitter. Criteria: Invitae Variant Classification Sherloc (09022015). Collection method: clinical testing. Allele origin: germline.
Comment: This sequence change replaces alanine, which is neutral and non-polar, with serine, which is neutral and polar, at codon 292 of the WWOX protein (p.Ala292Ser). This variant is present in population databases (rs376560613, gnomAD 0.02%). This variant has not been reported in the literature in individuals affected with WWOX-related conditions. ClinVar contains an entry for this variant (Variation ID: 837949). Invitae Evidence Modeling of protein sequence and biophysical properties (such as structural, functional, and spatial information, amino acid conservation, physicochemical variation, residue mobility, and thermodynamic stability) indicates that this missense variant is not expected to disrupt WWOX protein function with a negative predictive value of 80%. In summary, the available evidence is currently insufficient to determine the role of this variant in disease. Therefore, it has been classified as a Variant of Uncertain Significance.

NM_016373.4(WWOX):c.874G>T (p.Ala292Ser)

Gene: WWOX (WW domain containing oxidoreductase; plus strand). Cytogenetic location: 16q23.1.
Variant type: single nucleotide variant.
Coding change: c.874G>T on transcript NM_016373.4 (MANE Select); coding-DNA position 874, G replaced by T.
Protein change: p.Ala292Ser; replaces alanine 292 with serine.
Molecular consequence: missense variant.
Genome position (GRCh38, 1-based): chr16:78,432,570, G>T. VCF-style: chr16-78432570-G-T. GRCh37 (hg19) VCF-style: chr16-78466467-G-T.
Other names: c.535G>T, p.Ala179Ser (NM_001291997.2); short protein forms A179S, A292S.
Identifiers: ClinVar variation 837949 (VCV000837949.8), dbSNP rs376560613, ClinGen allele CA8183528.
Genomic context (GRCh38, chr16:78,432,570, plus strand): 5'-TTGGGAAAACTGGACTTCAGTCGCCTCTCTCCAACAAAAAACGACTATTGGGCGATGCTG[G>T]CTTATAACAGGTCCAAGCTCTGCAACATCCTCTTCTCCAACGAGCTGCACCGTCGCCTCT-3'
Protein context (NP_057457.1, residues 282-302): PTKNDYWAML[Ala292Ser]YNRSKLCNIL